The following is an entry in ClinVar:

NM_206933.4(USH2A):c.15554A>G (p.Lys5185Arg)

Gene: USH2A (usherin; minus strand). Cytogenetic location: 1q41.
Variant type: single nucleotide variant.
Coding change: c.15554A>G on transcript NM_206933.4 (MANE Select); coding-DNA position 15554, A replaced by G.
Protein change: p.Lys5185Arg; replaces lysine 5185 with arginine.
Molecular consequence: missense variant.
Genome position (GRCh38, 1-based): chr1:215,625,836, T>C on the plus strand (A>G on the coding strand, the complement: USH2A is on the minus strand). VCF-style: chr1-215625836-T-C. GRCh37 (hg19) VCF-style: chr1-215799178-T-C.
Other names: short protein forms K5185R.
Identifiers: ClinVar variation 1957278 (VCV001957278.2), dbSNP rs778393739, ClinGen allele CA344820337.

ClinVar aggregate classification (germline): Uncertain significance (1 of 4 stars; one submission).

gnomAD v4.1: 2 of 1,614,024 alleles (0.00012%); highest among the groups gnomAD compares: Admixed American, 0.0033%; no homozygotes.

Submission:

Labcorp Genetics (formerly Invitae), Labcorp
Classification: Uncertain significance. Last evaluated: 2022-07-26. Review status: criteria provided, single submitter. Criteria: Invitae Variant Classification Sherloc (09022015). Collection method: clinical testing. Allele origin: germline.
Comment: This sequence change replaces lysine, which is basic and polar, with arginine, which is basic and polar, at codon 5185 of the USH2A protein (p.Lys5185Arg). This variant is present in population databases (no rsID available, gnomAD 0.003%). This variant has not been reported in the literature in individuals affected with USH2A-related conditions. Algorithms developed to predict the effect of missense changes on protein structure and function are either unavailable or do not agree on the potential impact of this missense change (SIFT: "Deleterious"; PolyPhen-2: "Possibly Damaging"; Align-GVGD: "Class C0"). Algorithms developed to predict the effect of sequence changes on RNA splicing suggest that this variant may create or strengthen a splice site. In summary, the available evidence is currently insufficient to determine the role of this variant in disease. Therefore, it has been classified as a Variant of Uncertain Significance.